The following is an entry in ClinVar:

NM_182961.4(SYNE1):c.21377A>G (p.Lys7126Arg)

Gene: SYNE1 (spectrin repeat containing nuclear envelope protein 1; minus strand). Cytogenetic location: 6q25.2.
Variant type: single nucleotide variant.
Coding change: c.21377A>G on transcript NM_182961.4 (MANE Select); coding-DNA position 21377, A replaced by G.
Protein change: p.Lys7126Arg; replaces lysine 7126 with arginine.
Molecular consequence: missense variant.
Genome position (GRCh38, 1-based): chr6:152,224,639, T>C on the plus strand (A>G on the coding strand, the complement: SYNE1 is on the minus strand). VCF-style: chr6-152224639-T-C. GRCh37 (hg19) VCF-style: chr6-152545774-T-C.
Other names: c.21164A>G, p.Lys7055Arg (NM_033071.5); short protein forms K7055R, K7126R.
Identifiers: ClinVar variation 424231 (VCV000424231.48), dbSNP rs145882956, ClinGen allele CA4054170.

ClinVar aggregate classification (germline): Conflicting classifications of pathogenicity. Review status: criteria provided, conflicting classifications (1 of 4 stars). 10 submissions from 9 submitters: Uncertain significance (8); Likely benign (1). 1 of the submissions does not count toward it. Last evaluated 2025-12-23.

Conditions:
Autosomal recessive ataxia, Beauce type. Also called: ATAXIA, RECESSIVE, OF BEAUCE; SYNE1 Deficiency; SYNE1-Related Autosomal Recessive Cerebellar Ataxia; Spinocerebellar ataxia, autosomal recessive 8. Identifiers: Orphanet 88644, MedGen C1853116, MONDO:0012549, OMIM 610743.
Emery-Dreifuss muscular dystrophy 4, autosomal dominant (EDMD4). Also called: EMERY-DREIFUSS MUSCULAR DYSTROPHY 4 WITH VARIABLE FEATURES. Identifiers: Orphanet 261, MedGen C2751807, MONDO:0013071, OMIM 612998.

Allele frequency attached by ClinVar (database versions not stated): gnomAD 0.00010 and 0.00011; ExAC 0.00011; gnomAD exomes 0.00016 and 0.00029; ESP Exome Variant Server 0.00023; TOPMed 0.00025.
gnomAD v4.1: 430 of 1,613,784 alleles (0.027%); highest among the groups gnomAD compares: Non-Finnish European, 0.035%; no homozygotes.

Submissions (10):

Labcorp Genetics (formerly Invitae), Labcorp
Classification: Uncertain significance for Emery-Dreifuss muscular dystrophy 4, autosomal dominant; Autosomal recessive ataxia, Beauce type. Last evaluated: 2025-12-23. Review status: criteria provided, single submitter. Criteria: Invitae Variant Classification Sherloc (09022015). Collection method: clinical testing. Allele origin: germline.
Comment: This sequence change replaces lysine, which is basic and polar, with arginine, which is basic and polar, at codon 7055 of the SYNE1 protein (p.Lys7055Arg). This variant is present in population databases (rs145882956, gnomAD 0.03%). This missense change has been observed in individual(s) with clinical features of arthrogryposis (PMID: 31230720). ClinVar contains an entry for this variant (Variation ID: 424231). An algorithm developed to predict the effect of missense changes on protein structure and function outputs the following: PolyPhen-2: "Benign". The arginine amino acid residue is found in multiple mammalian species, which suggests that this missense change does not adversely affect protein function. In summary, the available evidence is currently insufficient to determine the role of this variant in disease. Therefore, it has been classified as a Variant of Uncertain Significance.

Blueprint Genetics
Classification: Uncertain significance. Last evaluated: 2024-11-25. Review status: criteria provided, single submitter. Criteria: ACMG Guidelines, 2015. Collection method: clinical testing. Allele origin: germline.

CeGaT Center for Human Genetics Tuebingen
Classification: Uncertain significance. Last evaluated: 2023-10-01. Review status: criteria provided, single submitter. Criteria: CeGaT Center For Human Genetics Tuebingen Variant Classification Criteria Version 2. Collection method: clinical testing. Allele origin: germline. Affected: yes. Observed: 2 variant alleles.
Comment: SYNE1: PM2, BP4

Revvity Omics, Revvity
Classification: Uncertain significance. Last evaluated: 2023-06-08. Review status: criteria provided, single submitter. Criteria: ACMG Guidelines, 2015. Collection method: clinical testing. Allele origin: germline.

GeneDx
Classification: Uncertain significance. Last evaluated: 2020-08-20. Review status: criteria provided, single submitter. Criteria: GeneDx Variant Classification Process June 2021. Collection method: clinical testing. Allele origin: germline. Affected: yes.
Comment: Reported in a patient with arthrogryposis in published literature (Pehlivan et al., 2019); a second variant on the opposite allele (in trans) was also identified; In silico analysis supports that this missense variant does not alter protein structure/function; In-silico analysis is inconclusive as to whether the variant alters gene splicing. In the absence of RNA/functional studies, the actual effect of this sequence change is unknown.; This variant is associated with the following publications: (PMID: 31230720)

Eurofins Ntd Llc (ga)
Classification: Uncertain significance. Last evaluated: 2018-05-16. Review status: criteria provided, single submitter. Criteria: EGL ClinVar v180209 classification definitions. Collection method: clinical testing. Allele origin: germline. Observed: 1 variant allele, 1 heterozygote.

Illumina Laboratory Services, Illumina
Classification: Likely benign for Emery-Dreifuss muscular dystrophy 4, autosomal dominant. Last evaluated: 2018-01-13. Review status: criteria provided, single submitter. Criteria: ICSL Variant Classification Criteria 13 December 2019. Collection method: clinical testing. Allele origin: germline.
Comment: This variant was observed in the ICSL laboratory as part of a predisposition screen in an ostensibly healthy population. It had not been previously curated by ICSL or reported in the Human Gene Mutation Database (HGMD: prior to June 1st, 2018), and was therefore a candidate for classification through an automated scoring system. Utilizing variant allele frequency, disease prevalence and penetrance estimates, and inheritance mode, an automated score was calculated to assess if this variant is too frequent to cause the disease. Based on the score and internal cut-off values, a variant classified as likely benign is not then subjected to further curation. The score for this variant resulted in a classification of likely benign for this disease.

Illumina Laboratory Services, Illumina
Classification: Uncertain significance for Autosomal recessive ataxia, Beauce type. Last evaluated: 2018-01-13. Review status: criteria provided, single submitter. Criteria: ICSL Variant Classification Criteria 13 December 2019. Collection method: clinical testing. Allele origin: germline.

Athena Diagnostics
Classification: Uncertain significance. Last evaluated: 2016-09-14. Review status: criteria provided, single submitter. Criteria: Athena Diagnostics Criteria. Collection method: clinical testing. Allele origin: germline.

Lupski Lab, Baylor-Hopkins CMG, Baylor College of Medicine
Classification: Uncertain significance for Emery-Dreifuss muscular dystrophy 4, autosomal dominant. Review status: no assertion criteria provided. Collection method: research. Allele origin: inherited. Inheritance: Autosomal recessive inheritance. Affected: yes. Observed: 2 variant alleles, 1 heterozygote, 1 compound heterozygote. Not counted in ClinVar's aggregate classification.

Literature cited by the submitters: PubMed 31230720 (cited by Labcorp Genetics (formerly Invitae), Labcorp).